The following is an entry in ClinVar:

ClinVar aggregate classification (germline): Uncertain significance. Review status: criteria provided, multiple submitters, no conflicts (2 of 4 stars). 7 submissions from 6 submitters: Uncertain significance (5). 2 of the submissions do not count toward it. Last evaluated 2025-08-06.

Conditions:
TTC21B-related disorder. Also called: TTC21B-related condition; TTC21B-related disorders.
Nephronophthisis. Also called: Juvenile Nephronophthisis. Identifiers: Orphanet 655, MedGen C0687120, MONDO:0019005, HP:0000090.
Jeune thoracic dystrophy. Also called: Short-rib thoracic dysplasia; Jeune syndrome; Infantile thoracic dystrophy; Thoracic pelvic phalangeal dystrophy; Jeune's syndrome; Chondroectodermal dysplasia-like syndrome. Identifiers: Orphanet 474, MedGen C0265275, MONDO:0018770.
Asphyxiating thoracic dystrophy 4 (SRTD4). Also called: SHORT-RIB THORACIC DYSPLASIA 4 WITH OR WITHOUT POLYDACTYLY; SHORT-RIB THORACIC DYSPLASIA 4. Identifiers: Orphanet 474, MedGen C3151185, MONDO:0013441, OMIM 613819.
Nephronophthisis 12 (NPHP12). Identifiers: Orphanet 655, MedGen C3151186, MONDO:0013442, OMIM 613820.

Allele frequency attached by ClinVar (database versions not stated): ExAC 0.00003; gnomAD exomes 0.00004 and 0.00009; TOPMed 0.00004; gnomAD 0.00006 and 0.00007.
gnomAD v4.1: 153 of 1,613,962 alleles (0.0095%); highest among the groups gnomAD compares: Non-Finnish European, 0.011%; no homozygotes.

Submissions (7):

PreventionGenetics, part of Exact Sciences
Classification: Uncertain significance for TTC21B-related condition. Last evaluated: 2025-08-06. Review status: criteria provided, single submitter. Criteria: ACMG Guidelines, 2015. Collection method: clinical testing. Allele origin: germline.
Comment: The TTC21B c.2693G>A variant is predicted to result in the amino acid substitution p.Arg898Gln. This variant has been reported in an individual with asphyxiating thoracic dystrophy who also carries a missense change in DYNC2H1 (Table S3. Zhang et al 2018. PubMed ID: 29068549). This variant is reported in 0.0093% of alleles in individuals of European (non-Finnish) descent in gnomAD and is consistently classified as uncertain in ClinVar (Variation ID: 446691). At this time, the clinical significance of this variant is uncertain due to the absence of conclusive functional and genetic evidence.

Blueprint Genetics
Classification: Uncertain significance. Last evaluated: 2024-11-05. Review status: criteria provided, single submitter. Criteria: ACMG Guidelines, 2015. Collection method: clinical testing. Allele origin: germline.

Labcorp Genetics (formerly Invitae), Labcorp
Classification: Uncertain significance for Jeune thoracic dystrophy; Nephronophthisis. Last evaluated: 2022-08-17. Review status: criteria provided, single submitter. Criteria: Invitae Variant Classification Sherloc (09022015). Collection method: clinical testing. Allele origin: germline.
Comment: This sequence change replaces arginine, which is basic and polar, with glutamine, which is neutral and polar, at codon 898 of the TTC21B protein (p.Arg898Gln). This variant is present in population databases (rs574017249, gnomAD 0.008%). This missense change has been observed in individual(s) with asphyxiating thoracic dystrophy (PMID: 29068549). ClinVar contains an entry for this variant (Variation ID: 446691). Algorithms developed to predict the effect of missense changes on protein structure and function output the following: SIFT: "Deleterious"; PolyPhen-2: "Benign"; Align-GVGD: "Class C35". The glutamine amino acid residue is found in multiple mammalian species, which suggests that this missense change does not adversely affect protein function. In summary, the available evidence is currently insufficient to determine the role of this variant in disease. Therefore, it has been classified as a Variant of Uncertain Significance.

Illumina Laboratory Services, Illumina
Classification: Uncertain significance for Nephronophthisis 12. Last evaluated: 2018-01-13. Review status: criteria provided, single submitter. Criteria: ICSL Variant Classification Criteria 13 December 2019. Collection method: clinical testing. Allele origin: germline.

Illumina Laboratory Services, Illumina
Classification: Uncertain significance for Asphyxiating thoracic dystrophy 4. Last evaluated: 2018-01-13. Review status: criteria provided, single submitter. Criteria: ICSL Variant Classification Criteria 13 December 2019. Collection method: clinical testing. Allele origin: germline.

Dan Cohn Lab, University Of California Los Angeles
Classification: Uncertain significance for Asphyxiating thoracic dystrophy. Last evaluated: 2017-06-01. Review status: no assertion criteria provided. Collection method: research. Allele origin: unknown. Affected: yes. Not counted in ClinVar's aggregate classification.

University of Washington Center for Mendelian Genomics, University of Washington
Classification: Likely pathogenic for asphyxiating thoracic dystrophy. Review status: no assertion criteria provided. Collection method: research. Allele origin: inherited. Affected: yes. Not counted in ClinVar's aggregate classification.

Literature cited by the submitters: PubMed 29068549 (cited by 3 submitters).

NM_024753.5(TTC21B):c.2693G>A (p.Arg898Gln)

Gene: TTC21B (tetratricopeptide repeat domain 21B; minus strand). Cytogenetic location: 2q24.3.
Variant type: single nucleotide variant.
Coding change: c.2693G>A on transcript NM_024753.5 (MANE Select); coding-DNA position 2693, G replaced by A.
Protein change: p.Arg898Gln; replaces arginine 898 with glutamine.
Molecular consequence: missense variant.
Genome position (GRCh38, 1-based): chr2:165,901,786, C>T on the plus strand (G>A on the coding strand, the complement: TTC21B is on the minus strand). VCF-style: chr2-165901786-C-T. GRCh37 (hg19) VCF-style: chr2-166758296-C-T.
Other names: short protein forms R898Q.
Identifiers: ClinVar variation 446691 (VCV000446691.14), dbSNP rs574017249, ClinGen allele CA1941750.